The following is an entry in ClinVar:

ClinVar aggregate classification (germline): Uncertain significance (1 of 4 stars; one submission).

Allele frequency attached by ClinVar (database versions not stated): gnomAD exomes below 0.00001; ExAC 0.00001; gnomAD 0.00001; TOPMed 0.00001.
gnomAD v4.1: 3 of 1,614,038 alleles (0.00019%); highest among the groups gnomAD compares: Admixed American, 0.005%; no homozygotes.

Submission:

Labcorp Genetics (formerly Invitae), Labcorp
Classification: Uncertain significance. Last evaluated: 2024-01-26. Review status: criteria provided, single submitter. Criteria: Invitae Variant Classification Sherloc (09022015). Collection method: clinical testing. Allele origin: germline.
Comment: This sequence change replaces lysine, which is basic and polar, with arginine, which is basic and polar, at codon 960 of the POLR1A protein (p.Lys960Arg). This variant is present in population databases (rs779817884, gnomAD 0.006%). This variant has not been reported in the literature in individuals affected with POLR1A-related conditions. Advanced modeling of protein sequence and biophysical properties (such as structural, functional, and spatial information, amino acid conservation, physicochemical variation, residue mobility, and thermodynamic stability) performed at Invitae indicates that this missense variant is not expected to disrupt POLR1A protein function with a negative predictive value of 80%. In summary, the available evidence is currently insufficient to determine the role of this variant in disease. Therefore, it has been classified as a Variant of Uncertain Significance.

NM_015425.6(POLR1A):c.2879A>G (p.Lys960Arg)

Genes: POLR1A (RNA polymerase I subunit A; minus strand), LOC126806263 (BRD4-independent group 4 enhancer GRCh37_chr2:86272354-86273553; plus strand). Cytogenetic location: 2p11.2.
Variant type: single nucleotide variant.
Coding change: c.2879A>G on transcript NM_015425.6 (MANE Select); coding-DNA position 2879, A replaced by G.
Protein change: p.Lys960Arg; replaces lysine 960 with arginine.
Molecular consequence: missense variant.
Genome position (GRCh38, 1-based): chr2:86,045,624, T>C on the plus strand (A>G on the coding strand, the complement: POLR1A is on the minus strand). VCF-style: chr2-86045624-T-C. GRCh37 (hg19) VCF-style: chr2-86272747-T-C.
Other names: short protein forms K960R.
Identifiers: ClinVar variation 2996408 (VCV002996408.3), dbSNP rs779817884, ClinGen allele CA1745940.